The following is an entry in ClinVar:

NC_012920.1(MT-ND4):m.12123C>T

Gene: MT-ND4 (mitochondrially encoded NADH dehydrogenase 4; plus strand).
Variant type: single nucleotide variant.
Genome position: chrM-12123-C-T.
Identifiers: ClinVar variation 693415 (VCV000693415.1), dbSNP rs1569484488, ClinGen allele CA414812607.
Genomic context (GRCh38, chrMT:12,123, plus strand): 5'-CCCTCATGTTCATACACCTATCCCCCATTCTCCTCCTATCCCTCAACCCCGACATCATTA[C>T]CGGGTTTTCCTCTTGTAAATATAGTTTAACCAAAACATCAGATTGTGAATCTGACAACAG-3'

ClinVar aggregate classification (germline): Benign (1 of 4 stars; one submission).

Conditions:
Leigh syndrome (NULS). Also called: Leigh's necrotizing encephalopathy; Leigh's disease; Leigh Syndrome (mtDNA deletion); Leigh Disease; Subacute necrotizing encephalopathy; Necrotizing encephalopathy infantile subacute of Leigh. Identifiers: Orphanet 506, MedGen C2931891, MONDO:0009723, OMIM 256000.

Submission:

Wong Mito Lab, Molecular and Human Genetics, Baylor College of Medicine
Classification: Benign for Leigh syndrome. Last evaluated: 2019-10-17. Review status: criteria provided, single submitter. Criteria: Modified ACMG Guidelines (Unpublished). Collection method: clinical testing. Allele origin: germline.
Comment: The NC_012920.1:m.12123C>T (YP_003024035.1:p.Thr455Ile) variant in MTND4 gene is interpretated to be a Benign variant based on the modified ACMG guidelines (unpublished). This variant meets the following evidence codes: BS1, BS4, BP4